The following is an entry in ClinVar:

ClinVar aggregate classification (germline): Uncertain significance (1 of 4 stars; one submission).

Submission:

Labcorp Genetics (formerly Invitae), Labcorp
Classification: Uncertain significance. Last evaluated: 2022-11-15. Review status: criteria provided, single submitter. Criteria: Invitae Variant Classification Sherloc (09022015). Collection method: clinical testing. Allele origin: germline.
Comment: In summary, the available evidence is currently insufficient to determine the role of this variant in disease. Therefore, it has been classified as a Variant of Uncertain Significance. Algorithms developed to predict the effect of missense changes on protein structure and function are either unavailable or do not agree on the potential impact of this missense change (SIFT: "Tolerated"; PolyPhen-2: "Not Available"; Align-GVGD: "Class C0"). This variant has not been reported in the literature in individuals affected with DDX3X-related conditions. This variant is not present in population databases (gnomAD no frequency). This sequence change replaces tyrosine, which is neutral and polar, with asparagine, which is neutral and polar, at codon 260 of the DDX3X protein (p.Tyr260Asn).

NM_001356.5(DDX3X):c.778T>A (p.Tyr260Asn)

Gene: DDX3X (DEAD-box helicase 3 X-linked; plus strand). Cytogenetic location: Xp11.4.
Variant type: single nucleotide variant.
Coding change: c.778T>A on transcript NM_001356.5 (MANE Select); coding-DNA position 778, T replaced by A.
Protein change: p.Tyr260Asn; replaces tyrosine 260 with asparagine.
Molecular consequence: missense variant. On other transcripts: non-coding transcript variant (1).
Genome position (GRCh38, 1-based): chrX:41,344,042, T>A. VCF-style: chrX-41344042-T-A. GRCh37 (hg19) VCF-style: chrX-41203295-T-A.
Other names: c.778T>A, p.Tyr260Asn (NM_001193416.3); c.730T>A, p.Tyr244Asn (NM_001193417.3); c.220T>A, p.Tyr74Asn (NM_001363819.1); short protein forms Y244N, Y74N, Y260N.
Identifiers: ClinVar variation 2115650 (VCV002115650.4), dbSNP rs2519514203, ClinGen allele CA412769996.